The following is an entry in ClinVar:

ClinVar aggregate classification (germline): Uncertain significance (1 of 4 stars; one submission).

Conditions:
Rhabdoid tumor predisposition syndrome 2 (RTPS2). Identifiers: Orphanet 231108, Orphanet 69077, MedGen C2750074, MONDO:0013224, OMIM 613325.

Submission:

Labcorp Genetics (formerly Invitae), Labcorp
Classification: Uncertain significance for Rhabdoid tumor predisposition syndrome 2. Last evaluated: 2024-07-21. Review status: criteria provided, single submitter. Criteria: Invitae Variant Classification Sherloc (09022015). Collection method: clinical testing. Allele origin: germline.
Comment: This sequence change replaces isoleucine, which is neutral and non-polar, with phenylalanine, which is neutral and non-polar, at codon 56 of the SMARCA4 protein (p.Ile56Phe). This variant is not present in population databases (gnomAD no frequency). This variant has not been reported in the literature in individuals affected with SMARCA4-related conditions. Advanced modeling of protein sequence and biophysical properties (such as structural, functional, and spatial information, amino acid conservation, physicochemical variation, residue mobility, and thermodynamic stability) performed at Invitae indicates that this missense variant is not expected to disrupt SMARCA4 protein function with a negative predictive value of 95%. In summary, the available evidence is currently insufficient to determine the role of this variant in disease. Therefore, it has been classified as a Variant of Uncertain Significance.

NM_003072.5(SMARCA4):c.166A>T (p.Ile56Phe)

Gene: SMARCA4 (SWI/SNF related BAF chromatin remodeling complex subunit ATPase 4; plus strand). Cytogenetic location: 19p13.2.
Variant type: single nucleotide variant.
Coding change: c.166A>T on transcript NM_003072.5 (MANE Select); coding-DNA position 166, A replaced by T.
Protein change: p.Ile56Phe; replaces isoleucine 56 with phenylalanine.
Molecular consequence: missense variant. On other transcripts: non-coding transcript variant (1).
Genome position (GRCh38, 1-based): chr19:10,984,317, A>T. VCF-style: chr19-10984317-A-T. GRCh37 (hg19) VCF-style: chr19-11094993-A-T.
Other names: c.166A>T, p.Ile56Phe (NM_001128844.3, NM_001128845.2, NM_001128846.2 and 6 more transcripts); short protein forms I56F.
Identifiers: ClinVar variation 3636821 (VCV003636821.2).